The following is an entry in ClinVar:

NM_014476.6(PDLIM3):c.385C>G (p.Pro129Ala)

Genes: PDLIM3 (PDZ and LIM domain 3; minus strand), LOC126807246 (BRD4-independent group 4 enhancer GRCh37_chr4:186434842-186436041; plus strand). Cytogenetic location: 4q35.1.
Variant type: single nucleotide variant.
Coding change: c.385C>G on transcript NM_014476.6 (MANE Select); coding-DNA position 385, C replaced by G.
Protein change: p.Pro129Ala; replaces proline 129 with alanine.
Molecular consequence: missense variant. On other transcripts: intron variant (1).
Genome position (GRCh38, 1-based): chr4:185,514,283, G>C on the plus strand (C>G on the coding strand, the complement: PDLIM3 is on the minus strand). VCF-style: chr4-185514283-G-C. GRCh37 (hg19) VCF-style: chr4-186435437-G-C.
Other names: c.385C>G, p.Pro129Ala (NM_001257962.2); c.148C>G, p.Pro50Ala (NM_001257963.2); c.518+420C>G (NM_001114107.5); short protein forms P129A, P50A.
Identifiers: ClinVar variation 5026465 (VCV005026465.1).
Genomic context (GRCh38, chr4:185,514,283, plus strand): 5'-ATTTAAGAAGCATGCACTGCAAACTCCACAGTCTCAGCGCTTATGACCTGCTTCGGCCCG[G>C]GATCACGAAAGGTTTGGGCCGAATATTATGCTTGTGTTCAAAGTAGTTCCCGTCCTGTGA-3'
Protein context (NP_055291.2, residues 119-139): HNIRPKPFVI[Pro129Ala]GRSSGCSTPS

ClinVar aggregate classification (germline): Uncertain significance (1 of 4 stars; one submission).

Submission:

Ambry Genetics
Classification: Uncertain significance. Last evaluated: 2026-08-08. Review status: criteria provided, single submitter. Criteria: Ambry Variant Classification Scheme 2023. Collection method: clinical testing. Allele origin: germline.
Comment: The p.P129A variant (also known as c.385C>G), located in coding exon 4 of the PDLIM3 gene, results from a C to G substitution at nucleotide position 385. The proline at codon 129 is replaced by alanine, an amino acid with highly similar properties. This amino acid position is conserved. In addition, this alteration is predicted to be tolerated by in silico analysis. Based on the available evidence, the clinical significance of this variant remains unclear.